The following is an entry in ClinVar:

NM_000203.5(IDUA):c.124C>T (p.Pro42Ser)

Genes: IDUA (alpha-L-iduronidase; plus strand), SLC26A1 (solute carrier family 26 member 1; minus strand). Cytogenetic location: 4p16.3.
Variant type: single nucleotide variant.
Coding change: c.124C>T on transcript NM_000203.5 (MANE Select); coding-DNA position 124, C replaced by T.
Protein change: p.Pro42Ser; replaces proline 42 with serine.
Molecular consequence: missense variant. On other transcripts: non-coding transcript variant (1), intron variant (1).
Genome position (GRCh38, 1-based): chr4:987,208, C>T. VCF-style: chr4-987208-C-T. GRCh37 (hg19) VCF-style: chr4-980996-C-T.
Other names: c.124C>T (NM_000203.3); c.576+3920G>A (NM_134425.4); short protein forms P42S.
Identifiers: ClinVar variation 3907595 (VCV003907595.3).

ClinVar aggregate classification (germline): Uncertain significance. Review status: criteria provided, multiple submitters, no conflicts (2 of 4 stars). 2 submissions from 2 submitters: Uncertain significance (2). Last evaluated 2025-12-24.

Conditions:
Inborn genetic diseases. Identifiers: MedGen C0950123, MeSH D030342.

gnomAD v4.1: 7 of 1,491,636 alleles (0.00047%); highest among the groups gnomAD compares: African/African-American, 0.0073%; no homozygotes.

Submissions (2):

Ambry Genetics
Classification: Uncertain significance for Inborn genetic diseases. Last evaluated: 2025-12-24. Review status: criteria provided, single submitter. Criteria: Ambry Variant Classification Scheme 2023. Collection method: clinical testing. Allele origin: germline.
Comment: The p.P42S variant (also known as c.124C>T), located in coding exon 1 of the IDUA gene, results from a C to T substitution at nucleotide position 124. The proline at codon 42 is replaced by serine, an amino acid with similar properties. This amino acid position is conserved. In addition, the in silico prediction for this alteration is inconclusive. Based on the available evidence, the clinical significance of this variant remains unclear.

Women's Health and Genetics/Laboratory Corporation of America, LabCorp
Classification: Uncertain significance. Last evaluated: 2025-06-23. Review status: criteria provided, single submitter. Criteria: LabCorp Variant Classification Summary - May 2015. Collection method: clinical testing. Allele origin: germline.